The following is an entry in ClinVar:

NM_001854.4(COL11A1):c.3430G>A (p.Gly1144Arg)

Gene: COL11A1 (collagen type XI alpha 1 chain; minus strand). Cytogenetic location: 1p21.1.
Variant type: single nucleotide variant.
Coding change: c.3430G>A on transcript NM_001854.4 (MANE Select); coding-DNA position 3430, G replaced by A.
Protein change: p.Gly1144Arg; replaces glycine 1144 with arginine.
Molecular consequence: missense variant. On other transcripts: non-coding transcript variant (1).
Genome position (GRCh38, 1-based): chr1:102,939,043, C>T on the plus strand (G>A on the coding strand, the complement: COL11A1 is on the minus strand). VCF-style: chr1-102939043-C-T. GRCh37 (hg19) VCF-style: chr1-103404599-C-T.
Other names: c.3082G>A, p.Gly1028Arg (NM_001168249.1, NM_080630.4); c.3313G>A, p.Gly1105Arg (NM_001190709.2); c.3466G>A, p.Gly1156Arg (NM_080629.3); short protein forms G1028R, G1105R, G1156R, G1144R.
Identifiers: ClinVar variation 2100042 (VCV002100042.4), dbSNP rs2524725514, ClinGen allele CA341169114.
Genomic context (GRCh38, chr1:102,939,043, plus strand): 5'-GTAAAAGTTGTTAAATAAATAATGTTCTCTCAGTAAGAAGTAGGAAACTCACATTTTCTC[C>T]CTTGTCACCCTTGCTGCCTTTTTGTCCCGGCTCACCAATTTCACCCTGAAATTGAAAGAT-3'
Protein context (NP_001845.3, residues 1134-1154): PGQKGSKGDK[Gly1144Arg]ENGPPGPPGL

ClinVar aggregate classification (germline): Uncertain significance (1 of 4 stars; one submission).

Submission:

Labcorp Genetics (formerly Invitae), Labcorp
Classification: Uncertain significance. Last evaluated: 2022-02-20. Review status: criteria provided, single submitter. Criteria: Invitae Variant Classification Sherloc (09022015). Collection method: clinical testing. Allele origin: germline.
Comment: In summary, the available evidence is currently insufficient to determine the role of this variant in disease. Therefore, it has been classified as a Variant of Uncertain Significance. This sequence change replaces glycine, which is neutral and non-polar, with arginine, which is basic and polar, at codon 1144 of the COL11A1 protein (p.Gly1144Arg). This variant is not present in population databases (gnomAD no frequency). This variant has not been reported in the literature in individuals affected with COL11A1-related conditions. Advanced modeling of protein sequence and biophysical properties (such as structural, functional, and spatial information, amino acid conservation, physicochemical variation, residue mobility, and thermodynamic stability) performed at Invitae indicates that this missense variant is expected to disrupt COL11A1 protein function.